The following is an entry in ClinVar:

ClinVar aggregate classification (germline): Pathogenic (1 of 4 stars; one submission).

Allele frequency attached by ClinVar (database versions not stated): gnomAD exomes below 0.00001.
gnomAD v4.1: 1 of 1,589,284 alleles (0.000063%); highest among the groups gnomAD compares: Non-Finnish European, 0.000085%; no homozygotes.

Submission:

Labcorp Genetics (formerly Invitae), Labcorp
Classification: Pathogenic. Last evaluated: 2024-01-11. Review status: criteria provided, single submitter. Criteria: Invitae Variant Classification Sherloc (09022015). Collection method: clinical testing. Allele origin: germline.
Comment: This sequence change creates a premature translational stop signal (p.Trp116*) in the DLL3 gene. It is expected to result in an absent or disrupted protein product. Loss-of-function variants in DLL3 are known to be pathogenic (PMID: 12746394). This variant is not present in population databases (gnomAD no frequency). This variant has not been reported in the literature in individuals affected with DLL3-related conditions. For these reasons, this variant has been classified as Pathogenic.

Literature cited by the submitters: PubMed 12746394.

NM_203486.3(DLL3):c.347G>A (p.Trp116Ter)

Gene: DLL3 (delta like canonical Notch ligand 3; plus strand). Cytogenetic location: 19q13.2.
Variant type: single nucleotide variant.
Coding change: c.347G>A on transcript NM_203486.3 (MANE Select); coding-DNA position 347, G replaced by A.
Protein change: p.Trp116Ter; replaces tryptophan 116 with a stop codon.
Molecular consequence: nonsense.
Genome position (GRCh38, 1-based): chr19:39,499,469, G>A. VCF-style: chr19-39499469-G-A. GRCh37 (hg19) VCF-style: chr19-39990109-G-A.
Other names: c.347G>A, p.Trp116Ter (NM_016941.4); short protein forms W116*.
Identifiers: ClinVar variation 2709025 (VCV002709025.3), dbSNP rs2514640200, ClinGen allele CA405794259.